The following is an entry in ClinVar:

ClinVar aggregate classification (germline): Conflicting classifications of pathogenicity. Review status: criteria provided, conflicting classifications (1 of 4 stars). 3 submissions from 3 submitters: Uncertain significance (1); Likely benign (2). Last evaluated 2026-01-13.

Conditions:
Hereditary cancer-predisposing syndrome. Also called: Tumor predisposition; Neoplastic Syndromes, Hereditary; Hereditary Cancer Syndrome; Hereditary neoplastic syndrome. Identifiers: Orphanet 140162, MedGen C0027672, MeSH D009386, MONDO:0015356.
Gorlin syndrome. Also called: Nevoid Basal Cell Carcinoma Syndrome; Basal cell nevus syndrome. Identifiers: Orphanet 377, MedGen C0004779, MONDO:0007187.

Allele frequency attached by ClinVar (database versions not stated): gnomAD 0.00001; TOPMed 0.00002.
gnomAD v4.1: 5 of 1,612,858 alleles (0.00031%); highest among the groups gnomAD compares: Admixed American, 0.0017%; no homozygotes.

Submissions (3):

Labcorp Genetics (formerly Invitae), Labcorp
Classification: Likely benign for Gorlin syndrome. Last evaluated: 2026-01-13. Review status: criteria provided, single submitter. Criteria: Invitae Variant Classification Sherloc (09022015). Collection method: clinical testing. Allele origin: germline.

Quest Diagnostics Nichols Institute San Juan Capistrano
Classification: Uncertain significance. Last evaluated: 2025-04-22. Review status: criteria provided, single submitter. Criteria: Quest Diagnostics criteria. Collection method: clinical testing. Allele origin: unknown.
Comment: The PTCH1 c.4041C>T (p.His1347=) synonymous variant has not been reported in individuals with PTCH1-related conditions in the published literature. The frequency of this variant in the general population (Genome Aggregation Database) is uninformative in the assessment of its pathogenicity. Analysis of this variant using software algorithms for the prediction of the effect of nucleotide changes on splicing yielded predictions that this variant does not affect PTCH1 mRNA splicing. Based on the available information, we are unable to determine the clinical significance of this variant.

Ambry Genetics
Classification: Likely benign for Hereditary cancer-predisposing syndrome. Last evaluated: 2021-05-27. Review status: criteria provided, single submitter. Criteria: Ambry Variant Classification Scheme 2023. Collection method: clinical testing. Allele origin: germline.

NM_000264.5(PTCH1):c.4041C>T (p.His1347=)

Gene: PTCH1 (patched 1; minus strand). Cytogenetic location: 9q22.32.
Variant type: single nucleotide variant.
Coding change: c.4041C>T on transcript NM_000264.5 (MANE Select); coding-DNA position 4041, C replaced by T.
Protein change: p.His1347=; no amino-acid change (histidine 1347 retained).
Molecular consequence: synonymous variant. On other transcripts: non-coding transcript variant (1).
Genome position (GRCh38, 1-based): chr9:95,447,215, G>A on the plus strand (C>T on the coding strand, the complement: PTCH1 is on the minus strand). VCF-style: chr9-95447215-G-A. GRCh37 (hg19) VCF-style: chr9-98209497-G-A.
Other names: c.3843C>T, p.His1281= (NM_001083602.3); c.4038C>T, p.His1346= (NM_001083603.3); c.3588C>T, p.His1196= (NM_001083604.3, NM_001083605.3, NM_001083606.3 and 1 more transcripts); c.3885C>T, p.His1295= (NM_001354918.2); c.4041C>T (NM_000264.4).
Identifiers: ClinVar variation 415485 (VCV000415485.16), dbSNP rs774524114, ClinGen allele CA16612749.